The following is an entry in ClinVar:

NM_017654.4(SAMD9):c.4397G>A (p.Gly1466Glu)

Gene: SAMD9 (sterile alpha motif domain containing 9; minus strand). Cytogenetic location: 7q21.2.
Variant type: single nucleotide variant.
Coding change: c.4397G>A on transcript NM_017654.4 (MANE Select); coding-DNA position 4397, G replaced by A.
Protein change: p.Gly1466Glu; replaces glycine 1466 with glutamic acid.
Molecular consequence: missense variant.
Genome position (GRCh38, 1-based): chr7:93,101,701, C>T on the plus strand (G>A on the coding strand, the complement: SAMD9 is on the minus strand). VCF-style: chr7-93101701-C-T. GRCh37 (hg19) VCF-style: chr7-92731014-C-T.
Other names: c.4397G>A, p.Gly1466Glu (NM_001193307.2); short protein forms G1466E.
Identifiers: ClinVar variation 3437065 (VCV003437065.1).

ClinVar aggregate classification (germline): Uncertain significance (1 of 4 stars; one submission).

Conditions:
Inborn genetic diseases. Identifiers: MedGen C0950123, MeSH D030342.

Submission:

Ambry Genetics
Classification: Uncertain significance for Inborn genetic diseases. Last evaluated: 2024-11-30. Review status: criteria provided, single submitter. Criteria: Ambry Variant Classification Scheme 2023. Collection method: clinical testing. Allele origin: germline.
Comment: The p.G1466E variant (also known as c.4397G>A), located in coding exon 1 of the SAMD9 gene, results from a G to A substitution at nucleotide position 4397. The glycine at codon 1466 is replaced by glutamic acid, an amino acid with similar properties. This amino acid position is conserved. In addition, this alteration is predicted to be tolerated by in silico analysis. Based on the available evidence, the clinical significance of this variant remains unclear.